The following is an entry in ClinVar:

NM_015192.4(PLCB1):c.348T>A (p.His116Gln)

Gene: PLCB1 (phospholipase C beta 1; plus strand). Cytogenetic location: 20p12.3.
Variant type: single nucleotide variant.
Coding change: c.348T>A on transcript NM_015192.4 (MANE Select); coding-DNA position 348, T replaced by A.
Protein change: p.His116Gln; replaces histidine 116 with glutamine.
Molecular consequence: missense variant.
Genome position (GRCh38, 1-based): chr20:8,628,395, T>A. VCF-style: chr20-8628395-T-A. GRCh37 (hg19) VCF-style: chr20-8609042-T-A.
Other names: c.348T>A, p.His116Gln (NM_182734.3); c.348T>A (NM_015192.2); short protein forms H116Q.
Identifiers: ClinVar variation 1041095 (VCV001041095.5), dbSNP rs965963245, ClinGen allele CA311672846.

ClinVar aggregate classification (germline): Uncertain significance. Review status: criteria provided, multiple submitters, no conflicts (2 of 4 stars). 2 submissions from 2 submitters: Uncertain significance (2). Last evaluated 2025-10-25.

Conditions:
Inborn genetic diseases. Identifiers: MedGen C0950123, MeSH D030342.
Developmental and epileptic encephalopathy, 12 (DEE12). Identifiers: MedGen C3150988, MONDO:0013389, OMIM 613722.

Allele frequency attached by ClinVar (database versions not stated): TOPMed 0.00002.
gnomAD v4.1: 3 of 1,614,088 alleles (0.00019%); no homozygotes.

Submissions (2):

Ambry Genetics
Classification: Uncertain significance for Inborn genetic diseases. Last evaluated: 2025-10-25. Review status: criteria provided, single submitter. Criteria: Ambry Variant Classification Scheme 2023. Collection method: clinical testing. Allele origin: germline.

Labcorp Genetics (formerly Invitae), Labcorp
Classification: Uncertain significance for Developmental and epileptic encephalopathy, 12. Last evaluated: 2022-08-03. Review status: criteria provided, single submitter. Criteria: Invitae Variant Classification Sherloc (09022015). Collection method: clinical testing. Allele origin: germline.
Comment: This sequence change replaces histidine, which is basic and polar, with glutamine, which is neutral and polar, at codon 116 of the PLCB1 protein (p.His116Gln). This variant is present in population databases (no rsID available, gnomAD no frequency). This variant has not been reported in the literature in individuals affected with PLCB1-related conditions. ClinVar contains an entry for this variant (Variation ID: 1041095). Algorithms developed to predict the effect of missense changes on protein structure and function (SIFT, PolyPhen-2, Align-GVGD) all suggest that this variant is likely to be tolerated. In summary, the available evidence is currently insufficient to determine the role of this variant in disease. Therefore, it has been classified as a Variant of Uncertain Significance.